The following is an entry in ClinVar:

NM_025114.4(CEP290):c.4962_4963del (p.Glu1656fs)

Gene: CEP290 (centrosomal protein 290; minus strand). Cytogenetic location: 12q21.32.
Variant type: Deletion.
Coding change: c.4962_4963del on transcript NM_025114.4 (MANE Select); coding-DNA positions 4962 to 4963, 2 bases deleted (AA; older notation c.4962_4963delAA).
Protein change: p.Glu1656fs; shifts the reading frame from glutamic acid 1656.
Molecular consequence: frameshift variant.
Genome position (GRCh38, 1-based): chr12:88,083,080-88,083,081, TT deleted on the plus strand (AA on the coding strand, the reverse complement: CEP290 is on the minus strand); deleting any 2 consecutive bases within chr12:88,083,080-88,083,082 gives the same sequence; the c. name uses the placement nearest the transcript's 3' end. VCF-style (leftmost placement, unchanged base first): chr12-88083079-CTT-C. GRCh37 (hg19) VCF-style: chr12-88476856-CTT-C.
Other names: c.4962_4963delAA (NM_025114.4, NM_025114.3); short protein forms E1656fs.
Identifiers: ClinVar variation 572652 (VCV000572652.64), dbSNP rs764309755, ClinGen allele CA6711823.

ClinVar aggregate classification (germline): Pathogenic. Review status: criteria provided, multiple submitters, no conflicts (2 of 4 stars). 12 submissions from 12 submitters: Pathogenic (12). Last evaluated 2026-05-04.

Conditions:
CEP290-related disorder. Also called: CEP290-related condition; CEP290-related disorders. Identifiers: MedGen CN239314.
Bardet-Biedl syndrome 14 (BBS14). Identifiers: Orphanet 110, MedGen C2673874, MONDO:0014442, OMIM 615991.
Leber congenital amaurosis (LCA). Also called: Leber's amaurosis. Identifiers: Orphanet 65, MedGen C0339527, MeSH D057130, MONDO:0018998.
Joubert syndrome. Also called: Familial aplasia of the vermis; JOUBERT-BOLTSHAUSER SYNDROME. Identifiers: Orphanet 475, MedGen C5979921, MONDO:0018772.
Meckel-Gruber syndrome. Also called: DYSENCEPHALIA SPLANCHNOCYSTICA; GRUBER SYNDROME; Dysencephalia splachnocystica. Identifiers: Orphanet 564, MedGen C0265215, MONDO:0018921.
Nephronophthisis. Also called: Juvenile Nephronophthisis. Identifiers: Orphanet 655, MedGen C0687120, MONDO:0019005, HP:0000090.
Retinal dystrophy. Also called: Inherited retinal dystrophy. Identifiers: Orphanet 71862, MedGen C0854723, MeSH D058499, MONDO:0019118, HP:0000556.
CEP290-related ciliopathy. Also called: CEP290 ciliopathy. Identifiers: MedGen CN305601, MONDO:0100451.
Leber congenital amaurosis 10 (LCA10). Identifiers: Orphanet 65, MedGen C1857821, MONDO:0012723, OMIM 611755.
Meckel syndrome, type 4 (MKS4). Also called: MECKEL-GRUBER SYNDROME, TYPE 4. Identifiers: Orphanet 564, MedGen C1970161, MONDO:0012626, OMIM 611134.
Senior-Loken syndrome 6 (SLSN6). Identifiers: Orphanet 3156, MedGen C1857779, MONDO:0012433, OMIM 610189.
Joubert syndrome 5 (JBTS5). Identifiers: Orphanet 2318, MedGen C1857780, MONDO:0012432, OMIM 610188.

Submissions (12):

PreventionGenetics, part of Exact Sciences
Classification: Pathogenic for CEP290-related condition. Last evaluated: 2026-05-04. Review status: criteria provided, single submitter. Criteria: ACMG Guidelines, 2015. Collection method: clinical testing. Allele origin: germline.
Comment: The CEP290 c.4962_4963delAA variant is predicted to result in a frameshift and premature protein termination (p.Glu1656Asnfs*3). This variant has been reported as causative for Leber congenital amaurosis (see for examples: Perrault et al. 2007. PubMed ID: 17345604; Sallum et al. 2020. PubMed ID: 32865313; Testa et al. 2021. PubMed ID: 34196655). This variant is reported in 0.0088% of alleles in individuals of East Asian descent in gnomAD. Frameshift variants in CEP290 are expected to be pathogenic. This variant is interpreted as pathogenic.

Women's Health and Genetics/Laboratory Corporation of America, LabCorp
Classification: Pathogenic for CEP290-related disorder. Last evaluated: 2026-05-04. Review status: criteria provided, single submitter. Criteria: LabCorp Variant Classification Summary - May 2015. Collection method: clinical testing. Allele origin: germline.
Comment: Variant summary: CEP290 c.4962_4963delAA (p.Glu1656AsnfsX3) results in a premature termination codon, predicted to cause a truncation of the encoded protein or absence of the protein due to nonsense mediated decay, which are commonly known mechanisms for disease. The variant allele was found at a frequency of 2.8e-05 in 140738 control chromosomes. c.4962_4963delAA has been observed in individuals affected with Leber Congenital Amaurosis (e.g. Perrualt_2007, Wiszniewski_2011, Sallum_2020). The variant has also been reported in an individual affected with cerebellar ataxia (e.g. Coutellier_2018). These data indicate that the variant is likely associated with disease. To our knowledge, no experimental evidence demonstrating an impact on protein function has been reported. The following publications have been ascertained in the context of this evaluation (PMID: 29482223, 17345604, 32865313, 21153841). ClinVar contains an entry for this variant (Variation ID: 572652). Based on the evidence outlined above, the variant was classified as pathogenic.

Labcorp Genetics (formerly Invitae), Labcorp
Classification: Pathogenic for Joubert syndrome; Meckel-Gruber syndrome; Nephronophthisis. Last evaluated: 2025-12-29. Review status: criteria provided, single submitter. Criteria: Invitae Variant Classification Sherloc (09022015). Collection method: clinical testing. Allele origin: germline.
Comment: This sequence change creates a premature translational stop signal (p.Glu1656Asnfs*3) in the CEP290 gene. It is expected to result in an absent or disrupted protein product. Loss-of-function variants in CEP290 are known to be pathogenic (PMID: 16909394, 17345604, 20690115). This variant is present in population databases (rs764309755, gnomAD 0.009%). This premature translational stop signal has been observed in individuals with Leber congenital amaurosis (PMID: 17345604, 17409309, 21153841, 26092869, 26673778). ClinVar contains an entry for this variant (Variation ID: 572652). For these reasons, this variant has been classified as Pathogenic.

Natera, Inc.
Classification: Pathogenic for Leber congenital amaurosis. Last evaluated: 2025-12-10. Review status: criteria provided, single submitter. Criteria: Natera Variant Classification Schema (03/2026). Collection method: clinical testing. Allele origin: germline.
Comment: The c.4962_4963delAA variant in CEP290 is a frameshift variant predicted to shift the reading frame beginning at codon 1656 and leads to a stop codon 3 codons downstream. This variant is expected to result in nonsense mediated decay, truncation, or a dysfunctional protein product. This variant is rare in the general population with a frequency below the threshold expected for the associated phenotype(s). This variant has been observed in one or more individuals affected with the associated recessive disease, as either homozygous or compound heterozygous with a second variant (PMID: 17345604). Given the available evidence, this variant is classified as Pathogenic.

Blueprint Genetics
Classification: Pathogenic for CEP290-related disorders. Last evaluated: 2024-03-15. Review status: criteria provided, single submitter. Criteria: ACMG Guidelines, 2015. Collection method: clinical testing. Allele origin: germline. Affected: yes. Observed: 5 variant alleles.

Baylor Genetics
Classification: Pathogenic for Bardet-Biedl syndrome 14. Last evaluated: 2024-03-06. Review status: criteria provided, single submitter. Criteria: ACMG Guidelines, 2015. Collection method: clinical testing. Allele origin: unknown.

Fulgent Genetics
Classification: Pathogenic for Joubert syndrome 5; Senior-Loken syndrome 6; Meckel syndrome, type 4; Leber congenital amaurosis 10; Bardet-Biedl syndrome 14. Last evaluated: 2024-02-21. Review status: criteria provided, single submitter. Criteria: ACMG Guidelines, 2015. Collection method: clinical testing. Allele origin: germline.

Victorian Clinical Genetics Services, Murdoch Childrens Research Institute
Classification: Pathogenic for CEP290-related ciliopathy. Last evaluated: 2023-07-16. Review status: criteria provided, single submitter. Criteria: ACMG Guidelines, 2015. Collection method: clinical testing. Allele origin: germline. Inheritance: Autosomal recessive inheritance. Affected: yes.
Comment: Based on the classification scheme VCGS_Germline_v1.3.4, this variant is classified as Pathogenic. Following criteria are met: 0102 - Loss of function is a known mechanism of disease in this gene and is associated with CEP290-related disease, with no known genotype-phenotype correlation (PMID: 20690115, PMID: 32208788). (I) 0106 - This gene is associated with autosomal recessive disease. (I) 0201 - Variant is predicted to cause nonsense-mediated decay (NMD) and loss of protein (premature termination codon is located at least 54 nucleotides upstream of the final exon-exon junction). (SP) 0252 - This variant is homozygous. (I) 0304 - Variant is present in gnomAD (v2) <0.01 for a recessive condition (7 heterozygotes, 0 homozygotes). (SP) 0701 - Other NMD-predicted variants comparable to the one identified in this case have very strong previous evidence for pathogenicity. These variants have been reported many times as pathogenic (DECIPHER). (SP) 0801 - This variant has strong previous evidence of pathogenicity in unrelated individuals. This variant has been reported many times as pathogenic, and has been reported in a single compound heterozygous individual with nephronophthisis (ClinVar, alternative c. change resulting in the same frameshift variant), a single individual with cerebellar ataxia, but mostly in compound heterozygous individuals with leber congenital amaurosis (ClinVar, PMID: 29398085, PMID: 32865313, PMID: 29482223). (SP) 1208 - Inheritance information for this variant is not currently available in this individual. (I) Legend: (SP) - Supporting pathogenic, (I) - Information, (SB) - Supporting benign

Revvity Omics, Revvity
Classification: Pathogenic. Last evaluated: 2021-07-09. Review status: criteria provided, single submitter. Criteria: ACMG Guidelines, 2015. Collection method: clinical testing. Allele origin: germline.

Institute of Human Genetics, Univ. Regensburg, Univ. Regensburg
Classification: Pathogenic for Retinal dystrophy. Last evaluated: 2020-01-01. Review status: criteria provided, single submitter. Criteria: ACMG Guidelines, 2015. Collection method: clinical testing. Allele origin: germline. Affected: yes.

CeGaT Center for Human Genetics Tuebingen
Classification: Pathogenic. Last evaluated: 2019-08-01. Review status: criteria provided, single submitter. Criteria: CeGaT Center For Human Genetics Tuebingen Variant Classification Criteria Version 2. Collection method: clinical testing. Allele origin: germline. Affected: yes. Observed: 1 variant allele.

GeneDx
Classification: Pathogenic. Last evaluated: 2018-11-21. Review status: criteria provided, single submitter. Criteria: GeneDx Variant Classification (06012015). Collection method: clinical testing. Allele origin: germline. Affected: yes.
Comment: The c.4962_4963delAA pathogenic variant in the CEP290 gene has been reported previously in multiple unrelated individuals with CEP290-related disorders who also had a second CEP290 variant identified (Perrault et al., 2007; Wiszniewski et al., 2011; Coutelier et al., 2018). The deletion causes a frameshift starting with codon Glutamic acid 1656, changes this amino acid to an Asparagine residue and creates a premature Stop codon at position 3 of the new reading frame, denoted p.Glu1656AsnfsX3. This pathogenic variant is predicted to cause loss of normal protein function either through protein truncation or nonsense-mediated mRNA decay. The c.4962_4963delAA variant is not observed at a significant frequency in large population cohorts (Lek et al., 2016). Therefore, c.4962_4963delAA is considered to be pathogenic.

Literature cited by the submitters: PubMed 29482223 (cited by 3 submitters); PubMed 17345604 (cited by 4 submitters); PubMed 32865313 (cited by 3 submitters); PubMed 21153841 (cited by Women's Health and Genetics/Laboratory Corporation of America, LabCorp and Labcorp Genetics (formerly Invitae), Labcorp); PubMed 16909394 (cited by Labcorp Genetics (formerly Invitae), Labcorp); PubMed 20690115 (cited by Labcorp Genetics (formerly Invitae), Labcorp and Victorian Clinical Genetics Services, Murdoch Childrens Research Institute); PubMed 17409309 (cited by Labcorp Genetics (formerly Invitae), Labcorp); PubMed 26092869 (cited by Labcorp Genetics (formerly Invitae), Labcorp); PubMed 26673778 (cited by Labcorp Genetics (formerly Invitae), Labcorp); PubMed 29398085 (cited by Victorian Clinical Genetics Services, Murdoch Childrens Research Institute); PubMed 32208788 (cited by Victorian Clinical Genetics Services, Murdoch Childrens Research Institute); PubMed 31964843 (cited by Institute of Human Genetics, Univ. Regensburg, Univ. Regensburg); PubMed 31429209 (cited by Institute of Human Genetics, Univ. Regensburg, Univ. Regensburg); PubMed 34196655 (cited by Institute of Human Genetics, Univ. Regensburg, Univ. Regensburg); PubMed 36460718 (cited by Institute of Human Genetics, Univ. Regensburg, Univ. Regensburg).